The following is an entry in ClinVar:

ClinVar aggregate classification (germline): Uncertain significance. Review status: criteria provided, multiple submitters, no conflicts (2 of 4 stars). 2 submissions from 2 submitters: Uncertain significance (2). Last evaluated 2025-03-17.

Conditions:
Inborn genetic diseases. Identifiers: MedGen C0950123, MeSH D030342.

Allele frequency attached by ClinVar (database versions not stated): TOPMed 0.00002; gnomAD 0.00003; ExAC 0.00007.
gnomAD v4.1: 34 of 1,596,670 alleles (0.0021%); highest among the groups gnomAD compares: African/African-American, 0.0054%; no homozygotes.

Submissions (2):

Ambry Genetics
Classification: Uncertain significance for Inborn genetic diseases. Last evaluated: 2025-03-17. Review status: criteria provided, single submitter. Criteria: Ambry Variant Classification Scheme 2023. Collection method: clinical testing. Allele origin: germline.

Labcorp Genetics (formerly Invitae), Labcorp
Classification: Uncertain significance. Last evaluated: 2023-12-22. Review status: criteria provided, single submitter. Criteria: Invitae Variant Classification Sherloc (09022015). Collection method: clinical testing. Allele origin: germline.
Comment: This sequence change replaces valine, which is neutral and non-polar, with methionine, which is neutral and non-polar, at codon 1642 of the DOCK6 protein (p.Val1642Met). This variant is present in population databases (rs773424609, gnomAD 0.008%). This variant has not been reported in the literature in individuals affected with DOCK6-related conditions. ClinVar contains an entry for this variant (Variation ID: 1905913). Advanced modeling of protein sequence and biophysical properties (such as structural, functional, and spatial information, amino acid conservation, physicochemical variation, residue mobility, and thermodynamic stability) has been performed at Invitae for this missense variant, however the output from this modeling did not meet the statistical confidence thresholds required to predict the impact of this variant on DOCK6 protein function. In summary, the available evidence is currently insufficient to determine the role of this variant in disease. Therefore, it has been classified as a Variant of Uncertain Significance.

NM_020812.4(DOCK6):c.4924G>A (p.Val1642Met)

Genes: DOCK6 (dedicator of cytokinesis 6; minus strand), DOCK6-AS1 (DOCK6 antisense RNA 1; plus strand). Cytogenetic location: 19p13.2.
Variant type: single nucleotide variant.
Coding change: c.4924G>A on transcript NM_020812.4 (MANE Select); coding-DNA position 4924, G replaced by A.
Protein change: p.Val1642Met; replaces valine 1642 with methionine.
Molecular consequence: missense variant.
Genome position (GRCh38, 1-based): chr19:11,208,931, C>T on the plus strand (G>A on the coding strand, the complement: DOCK6 is on the minus strand). VCF-style: chr19-11208931-C-T. GRCh37 (hg19) VCF-style: chr19-11319607-C-T.
Other names: c.5029G>A, p.Val1677Met (NM_001367830.1); c.4924G>A (NM_020812.2); short protein forms V1642M, V1677M.
Identifiers: ClinVar variation 1905913 (VCV001905913.6), dbSNP rs773424609, ClinGen allele CA9206688.